The following is an entry in ClinVar:

ClinVar aggregate classification (germline): Uncertain significance. Review status: criteria provided, multiple submitters, no conflicts (2 of 4 stars). 2 submissions from 2 submitters: Uncertain significance (2). Last evaluated 2025-10-01.

Submissions (2):

Labcorp Genetics (formerly Invitae), Labcorp
Classification: Uncertain significance. Last evaluated: 2025-10-01. Review status: criteria provided, single submitter. Criteria: Invitae Variant Classification Sherloc (09022015). Collection method: clinical testing. Allele origin: germline.
Comment: This sequence change replaces aspartic acid, which is acidic and polar, with asparagine, which is neutral and polar, at codon 57 of the PPP2CA protein (p.Asp57Asn). This variant is not present in population databases (gnomAD no frequency). This variant has not been reported in the literature in individuals affected with PPP2CA-related conditions. ClinVar contains an entry for this variant (Variation ID: 2768124). Invitae Evidence Modeling of protein sequence and biophysical properties (such as structural, functional, and spatial information, amino acid conservation, physicochemical variation, residue mobility, and thermodynamic stability) indicates that this missense variant is expected to disrupt PPP2CA protein function with a positive predictive value of 80%. In summary, the available evidence is currently insufficient to determine the role of this variant in disease. Therefore, it has been classified as a Variant of Uncertain Significance.

Blueprint Genetics
Classification: Uncertain significance. Last evaluated: 2023-01-27. Review status: criteria provided, single submitter. Criteria: ACMG Guidelines, 2015. Collection method: clinical testing. Allele origin: germline.

NM_002715.4(PPP2CA):c.169G>A (p.Asp57Asn)

Gene: PPP2CA (protein phosphatase 2 catalytic subunit alpha; minus strand). Cytogenetic location: 5q31.1.
Variant type: single nucleotide variant.
Coding change: c.169G>A on transcript NM_002715.4 (MANE Select); coding-DNA position 169, G replaced by A.
Protein change: p.Asp57Asn; replaces aspartic acid 57 with asparagine.
Molecular consequence: missense variant. On other transcripts: 5 prime UTR variant (1), non-coding transcript variant (1).
Genome position (GRCh38, 1-based): chr5:134,206,065, C>T on the plus strand (G>A on the coding strand, the complement: PPP2CA is on the minus strand). VCF-style: chr5-134206065-C-T. GRCh37 (hg19) VCF-style: chr5-133541756-C-T.
Other names: c.-27G>A (NM_001355019.2); short protein forms D57N.
Identifiers: ClinVar variation 2768124 (VCV002768124.4), dbSNP rs2481058473, ClinGen allele CA360994234.
Genomic context (GRCh38, chr5:134,206,065, plus strand): 5'-CTGGTGATTTGCCACCAATTCTAAACAGTTCCATGAGATCATGAAATTGCCCATGCACAT[C>T]TCCACAGACAGTAACTGGACATCGAACCTCTTGCACGTTGGATTCTTTTGTCAGGATTTC-3'
Protein context (NP_002706.1, residues 47-67): EVRCPVTVCG[Asp57Asn]VHGQFHDLME